The following is an entry in ClinVar:

ClinVar aggregate classification (germline): Likely benign (1 of 4 stars; one submission).

Submission:

CeGaT Center for Human Genetics Tuebingen
Classification: Likely benign. Last evaluated: 2026-04-01. Review status: criteria provided, single submitter. Criteria: CeGaT Center For Human Genetics Tuebingen Variant Classification Criteria Version 2. Collection method: clinical testing. Allele origin: germline. Affected: yes. Observed: 4 variant alleles.
Comment: SETD1A: PM2:Supporting, BP4, BP7

NM_014712.3(SETD1A):c.1320T>A (p.Pro440=)

Gene: SETD1A (SET domain containing 1A, histone lysine methyltransferase; plus strand). Cytogenetic location: 16p11.2.
Variant type: single nucleotide variant.
Coding change: c.1320T>A on transcript NM_014712.3 (MANE Select); coding-DNA position 1320, T replaced by A.
Protein change: p.Pro440=; no amino-acid change (proline 440 retained).
Molecular consequence: synonymous variant.
Genome position (GRCh38, 1-based): chr16:30,965,062, T>A. VCF-style: chr16-30965062-T-A. GRCh37 (hg19) VCF-style: chr16-30976383-T-A.
Identifiers: ClinVar variation 2646428 (VCV002646428.24), dbSNP rs2543856005, ClinGen allele CA494917646.
Genomic context (GRCh38, chr16:30,965,062, plus strand): 5'-CACCGACCAGGACTACCGGCCTCCTGCCTCAGAGGCTCCACCCCCGGAGCCTCCAGAACC[T>A]GGTGGAGGCGGGGGTGGAGGAGGGCCCAGCCCTGAGAGAGAAGAAGTTCGGACTTCCCCC-3'
Protein context (NP_055527.1, residues 430-450): SEAPPPEPPE[Pro440=]GGGGGGGGPS